The following is an entry in ClinVar:

ClinVar aggregate classification (germline): Likely benign (1 of 4 stars; one submission).

Conditions:
Hereditary diffuse gastric adenocarcinoma (HDGC). Also called: DIFFUSE GASTRIC AND LOBULAR BREAST CANCER SYNDROME. Identifiers: Orphanet 26106, MedGen C1708349, MONDO:0007648, OMIM 137215.

gnomAD v4.1: 1 of 1,605,478 alleles (0.000062%); highest among the groups gnomAD compares: Non-Finnish European, 0.000085%; no homozygotes.

Submission:

Myriad Genetics, Inc.
Classification: Likely benign for Hereditary diffuse gastric adenocarcinoma. Last evaluated: 2024-09-12. Review status: criteria provided, single submitter. Criteria: Myriad Autosomal Dominant, Autosomal Recessive and X-Linked Classification Criteria (2023). Collection method: clinical testing. Allele origin: unknown.
Comment: This variant is considered likely benign. This variant is intronic and is not expected to impact mRNA splicing.

NM_004360.5(CDH1):c.164-11C>T

Gene: CDH1 (cadherin 1; plus strand). Cytogenetic location: 16q22.1.
Variant type: single nucleotide variant.
Coding change: c.164-11C>T on transcript NM_004360.5 (MANE Select); 11 bases into the intron before coding-DNA position 164, C replaced by T.
Molecular consequence: intron variant.
Genome position (GRCh38, 1-based): chr16:68,801,659, C>T. VCF-style: chr16-68801659-C-T. GRCh37 (hg19) VCF-style: chr16-68835562-C-T.
Other names: c.-1452-11C>T (NM_001317185.2); c.-1656-11C>T (NM_001317186.2); c.164-11C>T (NM_001317184.2).
Identifiers: ClinVar variation 3378776 (VCV003378776.1).